The following is an entry in ClinVar:

ClinVar aggregate classification (germline): Uncertain significance. Review status: criteria provided, multiple submitters, no conflicts (2 of 4 stars). 8 submissions from 7 submitters: Uncertain significance (8). Last evaluated 2025-09-26.

Conditions:
KIF14-related disorder. Also called: KIF14-related condition.
Inborn genetic diseases. Identifiers: MedGen C0950123, MeSH D030342.
Microcephaly 20, primary, autosomal recessive. Identifiers: MedGen C4693572, MONDO:0054761, OMIM 617914.
Lethal fetal cerebrorenogenitourinary agenesis/hypoplasia syndrome. Also called: Meckel syndrome 12. Identifiers: Orphanet 439897, MedGen C4015701, MONDO:0014552, OMIM 616258.

Allele frequency attached by ClinVar (database versions not stated): ExAC 0.00002; gnomAD exomes 0.00002; gnomAD 0.00007 and 0.00008; TOPMed 0.00011; ESP Exome Variant Server 0.00015.
gnomAD v4.1: 21 of 1,613,682 alleles (0.0013%); highest among the groups gnomAD compares: African/African-American, 0.024%; no homozygotes.

Submissions (8):

Ambry Genetics
Classification: Uncertain significance for Inborn genetic diseases. Last evaluated: 2025-09-26. Review status: criteria provided, single submitter. Criteria: Ambry Variant Classification Scheme 2023. Collection method: clinical testing. Allele origin: germline.

Labcorp Genetics (formerly Invitae), Labcorp
Classification: Uncertain significance. Last evaluated: 2025-05-15. Review status: criteria provided, single submitter. Criteria: Invitae Variant Classification Sherloc (09022015). Collection method: clinical testing. Allele origin: germline.
Comment: This sequence change replaces alanine, which is neutral and non-polar, with serine, which is neutral and polar, at codon 605 of the KIF14 protein (p.Ala605Ser). This variant is present in population databases (rs370591311, gnomAD 0.02%). This variant has not been reported in the literature in individuals affected with KIF14-related conditions. ClinVar contains an entry for this variant (Variation ID: 1033306). An algorithm developed to predict the effect of missense changes on protein structure and function (PolyPhen-2) suggests that this variant is likely to be disruptive. In summary, the available evidence is currently insufficient to determine the role of this variant in disease. Therefore, it has been classified as a Variant of Uncertain Significance.

Baylor Genetics
Classification: Uncertain significance for Microcephaly 20, primary, autosomal recessive. Last evaluated: 2024-01-14. Review status: criteria provided, single submitter. Criteria: ACMG Guidelines, 2015. Collection method: clinical testing. Allele origin: unknown.

Daryl Scott Lab, Baylor College of Medicine
Classification: Uncertain significance for KIF14-related disorder. Last evaluated: 2024-01-01. Review status: criteria provided, single submitter. Criteria: ACMG Guidelines, 2015. Collection method: clinical testing. Allele origin: unknown. Observed: 1 heterozygote.
Comment: PM2, PP3

Victorian Clinical Genetics Services, Murdoch Childrens Research Institute
Classification: Uncertain significance for Microcephaly 20, primary, autosomal recessive. Last evaluated: 2023-12-21. Review status: criteria provided, single submitter. Criteria: ACMG Guidelines, 2015. Collection method: clinical testing. Allele origin: germline. Inheritance: Autosomal recessive inheritance. Affected: yes.
Comment: Based on the classification scheme VCGS_Germline_v1.3.4, this variant is classified as VUS-3A. Following criteria are met: 0102 - Loss of function is a known mechanism of disease in this gene and is associated with autosomal recessive primary microcephaly 20 (MIM#617914). (I) 0106 - This gene is associated with autosomal recessive disease. (I) 0200 - Variant is predicted to result in a missense amino acid change from alanine to serine. (I) 0251 - This variant is heterozygous. (I) 0304 - Variant is present in gnomAD <0.01 for a recessive condition (v3: 10 heterozygotes, 0 homozygotes). (SP) 0501 - Missense variant consistently predicted to be damaging by multiple in silico tools or highly conserved with a major amino acid change. (SP) 0600 - Variant is located in the annotated kinesin motor domain (DECIPHER). (I) 0705 - No comparable missense variants have previous evidence for pathogenicity. (I) 0809 - Previous evidence of pathogenicity for this variant is inconclusive. This variant has been reported as a VUS by clinical testing laboratories (ClinVar). (I) 0905 - No published segregation evidence has been identified for this variant. (I) 1007 - No published functional evidence has been identified for this variant. (I) 1208 - Inheritance information for this variant is not currently available in this individual. (I) Legend: (SP) - Supporting pathogenic, (I) - Information, (SB) - Supporting benign

GeneDx
Classification: Uncertain significance. Last evaluated: 2023-07-20. Review status: criteria provided, single submitter. Criteria: GeneDx Variant Classification Process June 2021. Collection method: clinical testing. Allele origin: germline. Affected: yes.
Comment: In silico analysis supports that this missense variant has a deleterious effect on protein structure/function; Has not been previously published as pathogenic or benign to our knowledge

PreventionGenetics, part of Exact Sciences
Classification: Uncertain significance for KIF14-related condition. Last evaluated: 2023-01-10. Review status: criteria provided, single submitter. Criteria: ACMG Guidelines, 2015. Collection method: clinical testing. Allele origin: germline.
Comment: The KIF14 c.1813G>T variant is predicted to result in the amino acid substitution p.Ala605Ser. To our knowledge, this variant has not been reported in the literature. This variant is reported in 0.024% of alleles in individuals of African descent in gnomAD. At this time, the clinical significance of this variant is uncertain due to the absence of conclusive functional and genetic evidence.

Baylor Genetics
Classification: Uncertain significance for Lethal fetal cerebrorenogenitourinary agenesis/hypoplasia syndrome. Last evaluated: 2018-05-27. Review status: criteria provided, single submitter. Criteria: ACMG Guidelines, 2015. Collection method: clinical testing. Allele origin: unknown. Affected: yes.
Comment: This variant was determined to be of uncertain significance according to ACMG Guidelines, 2015 [PMID:25741868].

NM_014875.3(KIF14):c.1813G>T (p.Ala605Ser)

Gene: KIF14 (kinesin family member 14; minus strand). Cytogenetic location: 1q32.1.
Variant type: single nucleotide variant.
Coding change: c.1813G>T on transcript NM_014875.3 (MANE Select); coding-DNA position 1813, G replaced by T.
Protein change: p.Ala605Ser; replaces alanine 605 with serine.
Molecular consequence: missense variant.
Genome position (GRCh38, 1-based): chr1:200,603,889, C>A on the plus strand (G>T on the coding strand, the complement: KIF14 is on the minus strand). VCF-style: chr1-200603889-C-A. GRCh37 (hg19) VCF-style: chr1-200573017-C-A.
Other names: c.340G>T, p.Ala114Ser (NM_001305792.1); short protein forms A114S, A605S.
Identifiers: ClinVar variation 1033306 (VCV001033306.10), dbSNP rs370591311, ClinGen allele CA1317709.